The following is an entry in ClinVar:

ClinVar aggregate classification (germline): Uncertain significance (1 of 4 stars; one submission).

Allele frequency attached by ClinVar (database versions not stated): TOPMed 0.00001.
gnomAD v4.1: 5 of 1,542,064 alleles (0.00032%); highest among the groups gnomAD compares: Non-Finnish European, 0.00018%; no homozygotes.

Submission:

Labcorp Genetics (formerly Invitae), Labcorp
Classification: Uncertain significance. Last evaluated: 2021-08-20. Review status: criteria provided, single submitter. Criteria: Invitae Variant Classification Sherloc (09022015). Collection method: clinical testing. Allele origin: germline.
Comment: This sequence change replaces isoleucine with valine at codon 2750 of the EYS protein (p.Ile2750Val). The isoleucine residue is moderately conserved and there is a small physicochemical difference between isoleucine and valine. This variant is not present in population databases (ExAC no frequency). This variant has not been reported in the literature in individuals affected with EYS-related conditions. Algorithms developed to predict the effect of missense changes on protein structure and function (SIFT, PolyPhen-2, Align-GVGD) all suggest that this variant is likely to be tolerated. In summary, the available evidence is currently insufficient to determine the role of this variant in disease. Therefore, it has been classified as a Variant of Uncertain Significance.

NM_001142800.2(EYS):c.8248A>G (p.Ile2750Val)

Genes: EYS (eyes shut homolog; minus strand), PHF3 (PHD finger protein 3; plus strand). Cytogenetic location: 6q12.
Variant type: single nucleotide variant.
Coding change: c.8248A>G on transcript NM_001142800.2 (MANE Select); coding-DNA position 8248, A replaced by G.
Protein change: p.Ile2750Val; replaces isoleucine 2750 with valine.
Molecular consequence: missense variant. On other transcripts: 3 prime UTR variant (5).
Genome position (GRCh38, 1-based): chr6:63,721,783, T>C on the plus strand (A>G on the coding strand, the complement: EYS is on the minus strand). VCF-style: chr6-63721783-T-C. GRCh37 (hg19) VCF-style: chr6-64431679-T-C.
Other names: c.*8075T>C (NM_001290259.2, NM_001370348.2, NM_001370349.2 and 2 more transcripts); c.8311A>G, p.Ile2771Val (NM_001292009.2); short protein forms I2750V, I2771V.
Identifiers: ClinVar variation 1439601 (VCV001439601.5), dbSNP rs200962604, ClinGen allele CA140236867.
Genomic context (GRCh38, chr6:63,721,783, plus strand): 5'-GAATGATAGTTCTGTCGCCAAGGTTGTAGCGAAGTTGAACGGAACTATTTACTAAAGAGA[T>C]GCATAAAAAATCACCTGCAAGAAAGCAAACAGTAAGTTTGATTAGCAACAGTAAAAGTTT-3'
Protein context (NP_001136272.1, residues 2740-2760): LKAQSGDFLC[Ile2750Val]SLVNSSVQLR